The following is an entry in ClinVar:

ClinVar aggregate classification (germline): Uncertain significance (1 of 4 stars; one submission).

Conditions:
Melnick-Needles syndrome (MNS). Also called: Melnick-Needles Syndrome (FLNA-MNS); MELNICK-NEEDLES OSTEODYSPLASTY; OSTEODYSPLASTY OF MELNICK AND NEEDLES. Identifiers: Orphanet 2484, MedGen C0025237, MONDO:0010650, OMIM 309350.
Frontometaphyseal dysplasia (FMD1). Identifiers: Orphanet 1826, MedGen C0265293, MONDO:0015942.
Heterotopia, periventricular, X-linked dominant (PVNH1). Also called: X-linked periventricular heterotopia; PERIVENTRICULAR NODULAR HETEROTOPIA 4; HETEROTOPIA, PERIVENTRICULAR, 1; PERIVENTRICULAR NODULAR HETEROTOPIA 1. Identifiers: Orphanet 2149, Orphanet 82004, MedGen C1848213, MONDO:0010233, OMIM 300049.
Oto-palato-digital syndrome, type II (OPD2). Also called: Otopalatodigital Syndrome Type 2 (FLNA-OPD2); FACIOPALATOOSSEOUS SYNDROME; OPD II SYNDROME; Otopalatodigital Syndrome, Type II. Identifiers: Orphanet 669, Orphanet 90652, MedGen C1844696, MONDO:0010571, OMIM 304120.

Submission:

Labcorp Genetics (formerly Invitae), Labcorp
Classification: Uncertain significance for Oto-palato-digital syndrome, type II; Heterotopia, periventricular, X-linked dominant; Frontometaphyseal dysplasia; Melnick-Needles syndrome. Last evaluated: 2020-09-27. Review status: criteria provided, single submitter. Criteria: Invitae Variant Classification Sherloc (09022015). Collection method: clinical testing. Allele origin: germline.
Comment: This sequence change replaces threonine with isoleucine at codon 2457 of the FLNA protein (p.Thr2457Ile). The threonine residue is highly conserved and there is a moderate physicochemical difference between threonine and isoleucine. This variant is not present in population databases (ExAC no frequency). In summary, the available evidence is currently insufficient to determine the role of this variant in disease. Therefore, it has been classified as a Variant of Uncertain Significance. Algorithms developed to predict the effect of missense changes on protein structure and function are either unavailable or do not agree on the potential impact of this missense change (SIFT: "Deleterious"; PolyPhen-2: "Probably Damaging"; Align-GVGD: "Class C0"). This variant has not been reported in the literature in individuals with FLNA-related conditions. ClinVar contains an entry for this variant (Variation ID: 239024).

NM_001110556.2(FLNA):c.7394C>T (p.Thr2465Ile)

Gene: FLNA (filamin A; minus strand). Cytogenetic location: Xq28.
Variant type: single nucleotide variant.
Coding change: c.7394C>T on transcript NM_001110556.2 (MANE Select); coding-DNA position 7394, C replaced by T.
Protein change: p.Thr2465Ile; replaces threonine 2465 with isoleucine.
Molecular consequence: missense variant.
Genome position (GRCh38, 1-based): chrX:154,349,807, G>A on the plus strand (C>T on the coding strand, the complement: FLNA is on the minus strand). VCF-style: chrX-154349807-G-A. GRCh37 (hg19) VCF-style: chrX-153578175-G-A.
Other names: c.7370C>T, p.Thr2457Ile (NM_001456.4); short protein forms T2457I, T2465I.
Identifiers: ClinVar variation 239024 (VCV000239024.10), dbSNP rs878854464, ClinGen allele CA10583934.
Genomic context (GRCh38, chrX:154,349,807, plus strand): 5'-ACGCGGTAGCCCTCAGGGCACTCCTGGCAATCCATCTTCACCTTGGAGGGGCCGTCAATG[G>A]TCACCGACAGGGCACCAGCTCCCGCATTGCTCGTGTTCACGACGAACTCAGCTGGGTTCC-3'
Protein context (NP_001104026.1, residues 2455-2475): SNAGAGALSV[Thr2465Ile]IDGPSKVKMD